The following is an entry in ClinVar:

ClinVar aggregate classification (germline): Uncertain significance (1 of 4 stars; one submission).

Allele frequency attached by ClinVar (database versions not stated): TOPMed below 0.00001.

Submission:

Labcorp Genetics (formerly Invitae), Labcorp
Classification: Uncertain significance. Last evaluated: 2022-07-21. Review status: criteria provided, single submitter. Criteria: Invitae Variant Classification Sherloc (09022015). Collection method: clinical testing. Allele origin: germline.
Comment: In summary, the available evidence is currently insufficient to determine the role of this variant in disease. Therefore, it has been classified as a Variant of Uncertain Significance. Algorithms developed to predict the effect of missense changes on protein structure and function are either unavailable or do not agree on the potential impact of this missense change (SIFT: "Deleterious"; PolyPhen-2: "Possibly Damaging"; Align-GVGD: "Class C0"). This variant has not been reported in the literature in individuals affected with NDUFA12-related conditions. This variant is not present in population databases (gnomAD no frequency). This sequence change replaces valine, which is neutral and non-polar, with phenylalanine, which is neutral and non-polar, at codon 6 of the NDUFA12 protein (p.Val6Phe).

NM_018838.5(NDUFA12):c.16G>T (p.Val6Phe)

Gene: NDUFA12 (NADH:ubiquinone oxidoreductase subunit A12; minus strand). Cytogenetic location: 12q22.
Variant type: single nucleotide variant.
Coding change: c.16G>T on transcript NM_018838.5 (MANE Select); coding-DNA position 16, G replaced by T.
Protein change: p.Val6Phe; replaces valine 6 with phenylalanine.
Molecular consequence: missense variant.
Genome position (GRCh38, 1-based): chr12:95,003,665, C>A on the plus strand (G>T on the coding strand, the complement: NDUFA12 is on the minus strand). VCF-style: chr12-95003665-C-A. GRCh37 (hg19) VCF-style: chr12-95397441-C-A.
Other names: c.16G>T, p.Val6Phe (NM_001258338.2); short protein forms V6F.
Identifiers: ClinVar variation 1926973 (VCV001926973.5), dbSNP rs1296757776, ClinGen allele CA386041136.
Genomic context (GRCh38, chr12:95,003,665, plus strand): 5'-CCCGTAGATAGCCTCGGAGACCGCCGTGGCCGGTGATCTGCTGCAGCCCGCGTTTCAGGA[C>A]CTGCACTAACTCCATCTTGCCTCGCTGGCCCCGCCTCCCGGGTGCGCCGAGCAAAACCCA-3'
Protein context (NP_061326.1, residues 1-16): MELVQ[Val6Phe]LKRGLQQITG